The following is an entry in ClinVar:

NM_021620.4(PRDM13):c.13G>A (p.Ala5Thr)

Gene: PRDM13 (PR/SET domain 13; plus strand). Cytogenetic location: 6q16.2.
Variant type: single nucleotide variant.
Coding change: c.13G>A on transcript NM_021620.4 (MANE Select); coding-DNA position 13, G replaced by A.
Protein change: p.Ala5Thr; replaces alanine 5 with threonine.
Molecular consequence: missense variant.
Genome position (GRCh38, 1-based): chr6:99,607,047, G>A. VCF-style: chr6-99607047-G-A. GRCh37 (hg19) VCF-style: chr6-100054923-G-A.
Other names: short protein forms A5T.
Identifiers: ClinVar variation 1357200 (VCV001357200.8), dbSNP rs751662673, ClinGen allele CA3936076.

ClinVar aggregate classification (germline): Uncertain significance (1 of 4 stars; one submission).

Allele frequency attached by ClinVar (database versions not stated): ExAC 0.00003.
gnomAD v4.1: 11 of 1,610,816 alleles (0.00068%); highest among the groups gnomAD compares: South Asian, 0.0055%; no homozygotes.

Submission:

Labcorp Genetics (formerly Invitae), Labcorp
Classification: Uncertain significance. Last evaluated: 2023-08-30. Review status: criteria provided, single submitter. Criteria: Invitae Variant Classification Sherloc (09022015). Collection method: clinical testing. Allele origin: germline.
Comment: Algorithms developed to predict the effect of missense changes on protein structure and function output the following: SIFT: "Not Available"; PolyPhen-2: "Benign"; Align-GVGD: "Not Available". The threonine amino acid residue is found in multiple mammalian species, which suggests that this missense change does not adversely affect protein function. In summary, the available evidence is currently insufficient to determine the role of this variant in disease. Therefore, it has been classified as a Variant of Uncertain Significance. ClinVar contains an entry for this variant (Variation ID: 1357200). This variant has not been reported in the literature in individuals affected with PRDM13-related conditions. This variant is present in population databases (rs751662673, gnomAD 0.01%). This sequence change replaces alanine, which is neutral and non-polar, with threonine, which is neutral and polar, at codon 5 of the PRDM13 protein (p.Ala5Thr).